The following is an entry in ClinVar:

NM_021975.4(RELA):c.1441G>T (p.Gly481Cys)

Gene: RELA (RELA proto-oncogene, NF-kB subunit; minus strand). Cytogenetic location: 11q13.1.
Variant type: single nucleotide variant.
Coding change: c.1441G>T on transcript NM_021975.4 (MANE Select); coding-DNA position 1441, G replaced by T.
Protein change: p.Gly481Cys; replaces glycine 481 with cysteine.
Molecular consequence: missense variant. On other transcripts: intron variant (1).
Genome position (GRCh38, 1-based): chr11:65,654,593, C>A on the plus strand (G>T on the coding strand, the complement: RELA is on the minus strand). VCF-style: chr11-65654593-C-A. GRCh37 (hg19) VCF-style: chr11-65422064-C-A.
Other names: c.1432G>T, p.Gly478Cys (NM_001145138.2); c.1234G>T, p.Gly412Cys (NM_001243984.2); c.1474G>T, p.Gly492Cys (NM_001404657.1); c.1414G>T, p.Gly472Cys (NM_001404658.1); c.1228G>T, p.Gly410Cys (NM_001404659.1); c.1123G>T, p.Gly375Cys (NM_001404660.1); c.1060G>T, p.Gly354Cys (NM_001404661.1); c.1348G>T, p.Gly450Cys (NM_001404662.1, NM_001404663.1); and 1 more; short protein forms G354C, G410C, G412C, G481C, G375C, G450C, G472C, G478C.
Identifiers: ClinVar variation 1992090 (VCV001992090.4), dbSNP rs745510018, ClinGen allele CA6106596.

ClinVar aggregate classification (germline): Uncertain significance (1 of 4 stars; one submission).

Allele frequency attached by ClinVar (database versions not stated): ExAC 0.00001; gnomAD 0.00002; gnomAD exomes 0.00002; TOPMed 0.00002.
gnomAD v4.1: 25 of 1,613,268 alleles (0.0015%); highest among the groups gnomAD compares: Middle Eastern, 0.016%; no homozygotes.

Submission:

Labcorp Genetics (formerly Invitae), Labcorp
Classification: Uncertain significance. Last evaluated: 2025-12-17. Review status: criteria provided, single submitter. Criteria: Invitae Variant Classification Sherloc (09022015). Collection method: clinical testing. Allele origin: germline.
Comment: This sequence change replaces glycine, which is neutral and non-polar, with cysteine, which is neutral and slightly polar, at codon 481 of the RELA protein (p.Gly481Cys). This variant is present in population databases (rs745510018, gnomAD 0.004%). This variant has not been reported in the literature in individuals affected with RELA-related conditions. ClinVar contains an entry for this variant (Variation ID: 1992090). An algorithm developed to predict the effect of missense changes on protein structure and function (PolyPhen-2) suggests that this variant is likely to be disruptive. In summary, the available evidence is currently insufficient to determine the role of this variant in disease. Therefore, it has been classified as a Variant of Uncertain Significance.